The following is an entry in ClinVar:

NM_000493.4(COL10A1):c.968G>A (p.Gly323Glu)

Genes: NT5DC1 (5'-nucleotidase domain containing 1; plus strand), COL10A1 (collagen type X alpha 1 chain; minus strand). Cytogenetic location: 6q22.1.
Variant type: single nucleotide variant.
Coding change: c.968G>A on transcript NM_000493.4 (MANE Select); coding-DNA position 968, G replaced by A.
Protein change: p.Gly323Glu; replaces glycine 323 with glutamic acid.
Molecular consequence: missense variant. On other transcripts: intron variant (1).
Genome position (GRCh38, 1-based): chr6:116,121,148, C>T on the plus strand (G>A on the coding strand, the complement: COL10A1 is on the minus strand). VCF-style: chr6-116121148-C-T. GRCh37 (hg19) VCF-style: chr6-116442311-C-T.
Other names: c.968G>A, p.Gly323Glu (NM_001424106.1, NM_001424107.1); c.529+3203C>T (NM_152729.3); short protein forms G323E.
Identifiers: ClinVar variation 3382528 (VCV003382528.2).

ClinVar aggregate classification (germline): Uncertain significance (1 of 4 stars; one submission).

Conditions:
Metaphyseal chondrodysplasia, Schmid type (MCDS). Also called: SPONDYLOMETAPHYSEAL DYSPLASIA, JAPANESE TYPE. Identifiers: Orphanet 174, MedGen C0265289, MONDO:0007983, OMIM 156500.

gnomAD v4.1: 21 of 1,613,202 alleles (0.0013%); highest among the groups gnomAD compares: Non-Finnish European, 0.0017%; no homozygotes.

Submission:

Juno Genomics, Hangzhou Juno Genomics, Inc
Classification: Uncertain significance for Metaphyseal chondrodysplasia, Schmid type. Review status: criteria provided, single submitter. Criteria: ACMG Guidelines, 2015. Collection method: clinical testing. Allele origin: germline. Affected: yes.
Comment: Multiple lines of computational evidence support a deleterious effect on the gene or gene product (conservation, evolutionary, splicing impact, etc).;Absent from controls (or at extremely low frequency if recessive) in Genome Aggregation Database, Exome Sequencing Project, 1000 Genomes Project, or Exome Aggregation Consortium.